The following is an entry in ClinVar:

NM_173791.5(PDZD8):c.21C>A (p.Ile7=)

Gene: PDZD8 (PDZ domain containing 8; minus strand). Cytogenetic location: 10q26.11.
Variant type: single nucleotide variant.
Coding change: c.21C>A on transcript NM_173791.5 (MANE Select); coding-DNA position 21, C replaced by A.
Protein change: p.Ile7=; no amino-acid change (isoleucine 7 retained).
Molecular consequence: synonymous variant.
Genome position (GRCh38, 1-based): chr10:117,375,207, G>T on the plus strand (C>A on the coding strand, the complement: PDZD8 is on the minus strand). VCF-style: chr10-117375207-G-T. GRCh37 (hg19) VCF-style: chr10-119134718-G-T.
Identifiers: ClinVar variation 5041082 (VCV005041082.1).

ClinVar aggregate classification (germline): Likely benign (1 of 4 stars; one submission).

Submission:

CeGaT Center for Human Genetics Tuebingen
Classification: Likely benign. Last evaluated: 2026-09-01. Review status: criteria provided, single submitter. Criteria: CeGaT Center For Human Genetics Tuebingen Variant Classification Criteria Version 2. Collection method: clinical testing. Allele origin: germline. Affected: yes. Observed: 1 variant allele.
Comment: PDZD8: BP4, BP7